The following is an entry in ClinVar:

ClinVar aggregate classification (germline): Uncertain significance. Review status: criteria provided, multiple submitters, no conflicts (2 of 4 stars). 2 submissions from 2 submitters: Uncertain significance (2). Last evaluated 2025-11-22.

Conditions:
ITGA2B-related disorder. Also called: ITGA2B-related condition; ITGA2B-related disorders.
Glanzmann thrombasthenia. Also called: THROMBASTHENIA OF GLANZMANN AND NAEGELI; Thrombasthenia; PLATELET GLYCOPROTEIN IIb-IIIa DEFICIENCY; Glanzmann's thrombasthenia. Identifiers: Orphanet 849, MedGen C0040015, MONDO:0100326.

gnomAD v4.1: 22 of 1,614,150 alleles (0.0014%); highest among the groups gnomAD compares: African/African-American, 0.023%; no homozygotes.

Submissions (2):

PreventionGenetics, part of Exact Sciences
Classification: Uncertain significance for ITGA2B-related condition. Last evaluated: 2025-11-22. Review status: criteria provided, single submitter. Criteria: ACMG Guidelines, 2015. Collection method: clinical testing. Allele origin: germline.
Comment: The ITGA2B c.119C>T variant is predicted to result in the amino acid substitution p.Thr40Ile. To our knowledge, this variant has not been reported in the literature. This variant is reported in 0.048% of alleles in individuals of African descent in gnomAD. At this time, the clinical significance of this variant is uncertain due to the absence of conclusive functional and genetic evidence.

Labcorp Genetics (formerly Invitae), Labcorp
Classification: Uncertain significance for Glanzmann thrombasthenia. Last evaluated: 2024-01-25. Review status: criteria provided, single submitter. Criteria: Invitae Variant Classification Sherloc (09022015). Collection method: clinical testing. Allele origin: germline.
Comment: This sequence change replaces threonine, which is neutral and polar, with isoleucine, which is neutral and non-polar, at codon 40 of the ITGA2B protein (p.Thr40Ile). This variant is present in population databases (rs5915, gnomAD 0.04%). This missense change has been observed in individual(s) with ITGA2B-related conditions (PMID: 25827233). Advanced modeling of protein sequence and biophysical properties (such as structural, functional, and spatial information, amino acid conservation, physicochemical variation, residue mobility, and thermodynamic stability) performed at Invitae indicates that this missense variant is not expected to disrupt ITGA2B protein function with a negative predictive value of 80%. In summary, the available evidence is currently insufficient to determine the role of this variant in disease. Therefore, it has been classified as a Variant of Uncertain Significance.

Literature cited by the submitters: PubMed 25827233 (cited by Labcorp Genetics (formerly Invitae), Labcorp).

NM_000419.5(ITGA2B):c.119C>T (p.Thr40Ile)

Gene: ITGA2B (integrin subunit alpha 2b; minus strand). Cytogenetic location: 17q21.31.
Variant type: single nucleotide variant.
Coding change: c.119C>T on transcript NM_000419.5 (MANE Select); coding-DNA position 119, C replaced by T.
Protein change: p.Thr40Ile; replaces threonine 40 with isoleucine.
Molecular consequence: missense variant.
Genome position (GRCh38, 1-based): chr17:44,389,355, G>A on the plus strand (C>T on the coding strand, the complement: ITGA2B is on the minus strand). VCF-style: chr17-44389355-G-A. GRCh37 (hg19) VCF-style: chr17-42466723-G-A.
Other names: c.119C>T (NM_000419.4); short protein forms T40I.
Identifiers: ClinVar variation 3709375 (VCV003709375.3).